The following is an entry in ClinVar:

NM_013275.6(ANKRD11):c.891G>C (p.Thr297=)

Gene: ANKRD11 (ankyrin repeat domain 11; minus strand). Cytogenetic location: 16q24.3.
Variant type: single nucleotide variant.
Coding change: c.891G>C on transcript NM_013275.6 (MANE Select); coding-DNA position 891, G replaced by C.
Protein change: p.Thr297=; no amino-acid change (threonine 297 retained).
Molecular consequence: synonymous variant.
Genome position (GRCh38, 1-based): chr16:89,286,040, C>G on the plus strand (G>C on the coding strand, the complement: ANKRD11 is on the minus strand). VCF-style: chr16-89286040-C-G. GRCh37 (hg19) VCF-style: chr16-89352448-C-G.
Other names: c.891G>C, p.Thr297= (NM_001256182.2, NM_001256183.2).
Identifiers: ClinVar variation 1198915 (VCV001198915.7), dbSNP rs191287362, ClinGen allele CA8242912.
Genomic context (GRCh38, chr16:89,286,040, plus strand): 5'-AGGGCAGCTCCTACCATCCCTGCATAAAAGAACAGGCAGCTCAGGTGGCCGTGACTTACC[C>G]GTCGAGCTCTCCTCGCTGGAAGTGTAAGTGCCTTTGCCTAACAGGAGGTTCACCATCGTG-3'
Protein context (NP_037407.4, residues 287-307): GTYTSSEESS[Thr297=]ESSEEEDAPS

ClinVar aggregate classification (germline): Conflicting classifications of pathogenicity. Review status: criteria provided, conflicting classifications (1 of 4 stars). 2 submissions from 2 submitters: Uncertain significance (1); Likely benign (1). Last evaluated 2024-11-27.

Conditions:
KBG syndrome (KBGS). Also called: ANKRD11-Related KBG Syndrome. Identifiers: Orphanet 2332, MedGen C0220687, MONDO:0007846, OMIM 148050.

Allele frequency attached by ClinVar (database versions not stated): 1000 Genomes Project 30x 0.00031; 1000 Genomes Project 0.00040.
gnomAD v4.1: 17 of 1,614,170 alleles (0.0011%); highest among the groups gnomAD compares: African/African-American, 0.0093%; no homozygotes.

Submissions (2):

Labcorp Genetics (formerly Invitae), Labcorp
Classification: Uncertain significance for KBG syndrome. Last evaluated: 2024-11-27. Review status: criteria provided, single submitter. Criteria: Invitae Variant Classification Sherloc (09022015). Collection method: clinical testing. Allele origin: germline.
Comment: This sequence change affects codon 297 of the ANKRD11 mRNA. It is a 'silent' change, meaning that it does not change the encoded amino acid sequence of the ANKRD11 protein. It affects a nucleotide within the consensus splice site. This variant is present in population databases (rs191287362, gnomAD 0.02%). This variant has not been reported in the literature in individuals affected with ANKRD11-related conditions. ClinVar contains an entry for this variant (Variation ID: 1198915). Algorithms developed to predict the effect of sequence changes on RNA splicing suggest that this variant is not likely to affect RNA splicing. In summary, the available evidence is currently insufficient to determine the role of this variant in disease. Therefore, it has been classified as a Variant of Uncertain Significance.

GeneDx
Classification: Likely benign. Last evaluated: 2020-10-21. Review status: criteria provided, single submitter. Criteria: GeneDx Variant Classification Process June 2021. Collection method: clinical testing. Allele origin: germline. Affected: yes.